The following is an entry in ClinVar:

NM_003038.5(SLC1A4):c.1267G>A (p.Val423Met)

Gene: SLC1A4 (solute carrier family 1 member 4; plus strand). Cytogenetic location: 2p14.
Variant type: single nucleotide variant.
Coding change: c.1267G>A on transcript NM_003038.5 (MANE Select); coding-DNA position 1267, G replaced by A.
Protein change: p.Val423Met; replaces valine 423 with methionine.
Molecular consequence: missense variant.
Genome position (GRCh38, 1-based): chr2:65,018,582, G>A. VCF-style: chr2-65018582-G-A. GRCh37 (hg19) VCF-style: chr2-65245716-G-A.
Other names: c.373G>A, p.Val125Met (NM_001193493.2); c.607G>A, p.Val203Met (NM_001348406.2, NM_001348407.2); short protein forms V125M, V423M, V203M.
Identifiers: ClinVar variation 2171019 (VCV002171019.1), dbSNP rs780694983, ClinGen allele CA1686134.

ClinVar aggregate classification (germline): Uncertain significance (1 of 4 stars; one submission).

Allele frequency attached by ClinVar (database versions not stated): TOPMed below 0.00001; ExAC 0.00001; gnomAD exomes 0.00001.
gnomAD v4.1: 11 of 1,614,214 alleles (0.00068%); highest among the groups gnomAD compares: South Asian, 0.0022%; no homozygotes.

Submission:

Labcorp Genetics (formerly Invitae), Labcorp
Classification: Uncertain significance. Last evaluated: 2022-10-18. Review status: criteria provided, single submitter. Criteria: Invitae Variant Classification Sherloc (09022015). Collection method: clinical testing. Allele origin: germline.
Comment: This sequence change replaces valine, which is neutral and non-polar, with methionine, which is neutral and non-polar, at codon 423 of the SLC1A4 protein (p.Val423Met). This variant is present in population databases (rs780694983, gnomAD 0.003%). This variant has not been reported in the literature in individuals affected with SLC1A4-related conditions. Advanced modeling of protein sequence and biophysical properties (such as structural, functional, and spatial information, amino acid conservation, physicochemical variation, residue mobility, and thermodynamic stability) performed at Invitae indicates that this missense variant is not expected to disrupt SLC1A4 protein function. In summary, the available evidence is currently insufficient to determine the role of this variant in disease. Therefore, it has been classified as a Variant of Uncertain Significance.